The following is an entry in ClinVar:

NM_024809.5(TCTN2):c.1651A>G (p.Ser551Gly)

Gene: TCTN2 (tectonic family member 2; plus strand). Cytogenetic location: 12q24.31.
Variant type: single nucleotide variant.
Coding change: c.1651A>G on transcript NM_024809.5 (MANE Select); coding-DNA position 1651, A replaced by G.
Protein change: p.Ser551Gly; replaces serine 551 with glycine.
Molecular consequence: missense variant.
Genome position (GRCh38, 1-based): chr12:123,704,570, A>G. VCF-style: chr12-123704570-A-G. GRCh37 (hg19) VCF-style: chr12-124189117-A-G.
Other names: c.1648A>G, p.Ser550Gly (NM_001143850.3); short protein forms S551G, S550G.
Identifiers: ClinVar variation 1414298 (VCV001414298.8), dbSNP rs774515451, ClinGen allele CA6861293.

ClinVar aggregate classification (germline): Uncertain significance (1 of 4 stars; one submission).

Conditions:
Joubert syndrome. Also called: CEREBELLOPARENCHYMAL DISORDER IV; JOUBERT-BOLTSHAUSER SYNDROME; Familial aplasia of the vermis. Identifiers: Orphanet 475, MedGen C5979921, MONDO:0018772.
Meckel-Gruber syndrome. Also called: DYSENCEPHALIA SPLANCHNOCYSTICA; GRUBER SYNDROME; Dysencephalia splachnocystica. Identifiers: Orphanet 564, MedGen C0265215, MONDO:0018921.

Allele frequency attached by ClinVar (database versions not stated): gnomAD 0.00001; TOPMed 0.00001; gnomAD exomes below 0.00001; ExAC 0.00001.
gnomAD v4.1: 2 of 1,613,472 alleles (0.00012%); highest among the groups gnomAD compares: African/African-American, 0.0013%; no homozygotes.

Submission:

Labcorp Genetics (formerly Invitae), Labcorp
Classification: Uncertain significance for Joubert syndrome; Meckel-Gruber syndrome. Last evaluated: 2023-12-11. Review status: criteria provided, single submitter. Criteria: Invitae Variant Classification Sherloc (09022015). Collection method: clinical testing. Allele origin: germline.
Comment: This sequence change replaces serine, which is neutral and polar, with glycine, which is neutral and non-polar, at codon 551 of the TCTN2 protein (p.Ser551Gly). This variant is present in population databases (rs774515451, gnomAD 0.004%). This variant has not been reported in the literature in individuals affected with TCTN2-related conditions. ClinVar contains an entry for this variant (Variation ID: 1414298). Advanced modeling of protein sequence and biophysical properties (such as structural, functional, and spatial information, amino acid conservation, physicochemical variation, residue mobility, and thermodynamic stability) performed at Invitae indicates that this missense variant is not expected to disrupt TCTN2 protein function with a negative predictive value of 80%. In summary, the available evidence is currently insufficient to determine the role of this variant in disease. Therefore, it has been classified as a Variant of Uncertain Significance.